The following is an entry in ClinVar:

ClinVar aggregate classification (germline): Uncertain significance (1 of 4 stars; one submission).

Conditions:
Hereditary pancreatitis (PCTT). Also called: Hereditary chronic pancreatitis; PRSS1-Related Hereditary Pancreatitis. Identifiers: Orphanet 676, MedGen C0238339, MONDO:0008185, OMIM 167800.

gnomAD v4.1: 4 of 1,614,050 alleles (0.00025%); highest among the groups gnomAD compares: Admixed American, 0.0017%; no homozygotes.

Submission:

Ambry Genetics
Classification: Uncertain significance for Hereditary pancreatitis. Last evaluated: 2024-08-30. Review status: criteria provided, single submitter. Criteria: Ambry Variant Classification Scheme 2023. Collection method: clinical testing. Allele origin: germline.
Comment: The c.788-5C>T intronic variant results from a C to T substitution 5 nucleotides upstream from coding exon 8 in the CPA1 gene. This nucleotide position is not well conserved in available vertebrate species. In silico splice site analysis predicts that this alteration will not have any significant effect on splicing. Based on the available evidence, the clinical significance of this variant remains unclear.

NM_001868.4(CPA1):c.788-5C>T

Gene: CPA1 (carboxypeptidase A1; plus strand). Cytogenetic location: 7q32.2.
Variant type: single nucleotide variant.
Coding change: c.788-5C>T on transcript NM_001868.4 (MANE Select); 5 bases into the intron before coding-DNA position 788, C replaced by T.
Molecular consequence: intron variant.
Genome position (GRCh38, 1-based): chr7:130,385,141, C>T. VCF-style: chr7-130385141-C-T. GRCh37 (hg19) VCF-style: chr7-130024982-C-T.
Identifiers: ClinVar variation 3496175 (VCV003496175.1).